The following is an entry in ClinVar:

NM_014714.4(IFT140):c.2462A>T (p.Lys821Met)

Gene: IFT140 (intraflagellar transport 140; minus strand). Cytogenetic location: 16p13.3.
Variant type: single nucleotide variant.
Coding change: c.2462A>T on transcript NM_014714.4 (MANE Select); coding-DNA position 2462, A replaced by T.
Protein change: p.Lys821Met; replaces lysine 821 with methionine.
Molecular consequence: missense variant.
Genome position (GRCh38, 1-based): chr16:1,526,734, T>A on the plus strand (A>T on the coding strand, the complement: IFT140 is on the minus strand). VCF-style: chr16-1526734-T-A. GRCh37 (hg19) VCF-style: chr16-1576735-T-A.
Other names: short protein forms K821M.
Identifiers: ClinVar variation 4738755 (VCV004738755.1).

ClinVar aggregate classification (germline): Uncertain significance (1 of 4 stars; one submission).

Conditions:
Saldino-Mainzer syndrome (SRTD9). Also called: CONORENAL SYNDROME; Renal dysplasia, retinal pigmentary dystrophy, cerebellar ataxia and skeletal dysplasia; SHORT-RIB THORACIC DYSPLASIA 9 WITHOUT POLYDACTYLY; short-rib thoracic dysplasia 9 with or without polydactyly. Identifiers: Orphanet 140969, MedGen C1849437, MONDO:0009964, OMIM 266920.

Submission:

Labcorp Genetics (formerly Invitae), Labcorp
Classification: Uncertain significance for Saldino-Mainzer syndrome. Last evaluated: 2025-12-09. Review status: criteria provided, single submitter. Criteria: Invitae Variant Classification Sherloc (09022015). Collection method: clinical testing. Allele origin: germline.
Comment: This sequence change replaces lysine, which is basic and polar, with methionine, which is neutral and non-polar, at codon 821 of the IFT140 protein (p.Lys821Met). This variant is not present in population databases (gnomAD no frequency). This variant has not been reported in the literature in individuals affected with IFT140-related conditions. Invitae Evidence Modeling of protein sequence and biophysical properties (such as structural, functional, and spatial information, amino acid conservation, physicochemical variation, residue mobility, and thermodynamic stability) indicates that this missense variant is not expected to disrupt IFT140 protein function with a negative predictive value of 95%. In summary, the available evidence is currently insufficient to determine the role of this variant in disease. Therefore, it has been classified as a Variant of Uncertain Significance.